The following is an entry in ClinVar:

ClinVar aggregate classification (germline): Uncertain significance. Review status: criteria provided, multiple submitters, no conflicts (2 of 4 stars). 3 submissions from 3 submitters: Uncertain significance (3). Last evaluated 2024-04-06.

Conditions:
Inborn genetic diseases. Identifiers: MedGen C0950123, MeSH D030342.

Allele frequency attached by ClinVar (database versions not stated): ExAC 0.00004; 1000 Genomes Project 30x 0.00016; 1000 Genomes Project 0.00020.
gnomAD v4.1: 24 of 1,614,138 alleles (0.0015%); highest among the groups gnomAD compares: South Asian, 0.025%; no homozygotes.

Submissions (3):

Labcorp Genetics (formerly Invitae), Labcorp
Classification: Uncertain significance. Last evaluated: 2024-04-06. Review status: criteria provided, single submitter. Criteria: Invitae Variant Classification Sherloc (09022015). Collection method: clinical testing. Allele origin: germline.
Comment: This sequence change replaces valine, which is neutral and non-polar, with leucine, which is neutral and non-polar, at codon 88 of the PDSS2 protein (p.Val88Leu). This variant is present in population databases (rs545921648, gnomAD 0.03%). This variant has not been reported in the literature in individuals affected with PDSS2-related conditions. ClinVar contains an entry for this variant (Variation ID: 2505025). Advanced modeling of protein sequence and biophysical properties (such as structural, functional, and spatial information, amino acid conservation, physicochemical variation, residue mobility, and thermodynamic stability) performed at Invitae indicates that this missense variant is not expected to disrupt PDSS2 protein function with a negative predictive value of 80%. In summary, the available evidence is currently insufficient to determine the role of this variant in disease. Therefore, it has been classified as a Variant of Uncertain Significance.

Ambry Genetics
Classification: Uncertain significance for Inborn genetic diseases. Last evaluated: 2023-10-30. Review status: criteria provided, single submitter. Criteria: Ambry Variant Classification Scheme 2023. Collection method: clinical testing. Allele origin: germline.

GeneDx
Classification: Uncertain significance. Last evaluated: 2022-12-07. Review status: criteria provided, single submitter. Criteria: GeneDx Variant Classification Process June 2021. Collection method: clinical testing. Allele origin: germline. Affected: yes.
Comment: In silico analysis supports that this missense variant does not alter protein structure/function; Has not been previously published as pathogenic or benign to our knowledge

NM_020381.4(PDSS2):c.262G>T (p.Val88Leu)

Gene: PDSS2 (decaprenyl diphosphate synthase subunit 2; minus strand). Cytogenetic location: 6q21.
Variant type: single nucleotide variant.
Coding change: c.262G>T on transcript NM_020381.4 (MANE Select); coding-DNA position 262, G replaced by T.
Protein change: p.Val88Leu; replaces valine 88 with leucine.
Molecular consequence: missense variant.
Genome position (GRCh38, 1-based): chr6:107,459,024, C>A on the plus strand (G>T on the coding strand, the complement: PDSS2 is on the minus strand). VCF-style: chr6-107459024-C-A. GRCh37 (hg19) VCF-style: chr6-107780228-C-A.
Other names: short protein forms V88L.
Identifiers: ClinVar variation 2505025 (VCV002505025.4), dbSNP rs545921648, ClinGen allele CA3946175.
Genomic context (GRCh38, chr6:107,459,024, plus strand): 5'-GTGTCAGCGGGAGAGGGGTAGCTCACCTGGCTGTGGTAAGCAGAGGGTGCTGAGTGCCCA[C>A]CAGCTTCCGCACCTGCATAGCGATGTTGCTGAGCTCGTCGCTCAGCAGGCAGCGAAGGCT-3'
Protein context (NP_065114.3, residues 78-98): SNIAMQVRKL[Val88Leu]GTQHPLLTTA